The following is an entry in ClinVar:

NM_004655.4(AXIN2):c.1531A>G (p.Thr511Ala)

Gene: AXIN2 (axin 2; minus strand). Cytogenetic location: 17q24.1.
Variant type: single nucleotide variant.
Coding change: c.1531A>G on transcript NM_004655.4 (MANE Select); coding-DNA position 1531, A replaced by G.
Protein change: p.Thr511Ala; replaces threonine 511 with alanine.
Molecular consequence: missense variant.
Genome position (GRCh38, 1-based): chr17:65,537,505, T>C on the plus strand (A>G on the coding strand, the complement: AXIN2 is on the minus strand). VCF-style: chr17-65537505-T-C. GRCh37 (hg19) VCF-style: chr17-63533623-T-C.
Other names: c.1531A>G (LRG_296t1); c.1531A>G, p.Thr511Ala (NM_001363813.1); short protein forms T511A.
Identifiers: ClinVar variation 239990 (VCV000239990.22), dbSNP rs376936740, ClinGen allele CA8718622.
Genomic context (GRCh38, chr17:65,537,505, plus strand): 5'-TCTCCTCCTTGGTCTTGGGGACGGCATGGTGGTGGATGTAGTGGTGGTGGACATGCTTCG[T>C]CGTCTGCTTGGTCACAAAGCCTTTGCCCCCGAGGAGGGGGCAGGCGCCCGGCGAGGCGGC-3'
Protein context (NP_004646.3, residues 501-521): GGKGFVTKQT[Thr511Ala]KHVHHHYIHH

ClinVar aggregate classification (germline): Uncertain significance. Review status: criteria provided, multiple submitters, no conflicts (2 of 4 stars). 6 submissions from 6 submitters: Uncertain significance (6). Last evaluated 2025-11-02.

Conditions:
Hereditary cancer-predisposing syndrome. Also called: Neoplastic Syndromes, Hereditary; Hereditary neoplastic syndrome; Tumor predisposition; Hereditary Cancer Syndrome. Identifiers: Orphanet 140162, MedGen C0027672, MeSH D009386, MONDO:0015356.
Colorectal cancer. Also called: Colorectal cancer, somatic; Malignant Colorectal Neoplasm. Identifiers: MedGen C0346629, MONDO:0005575, OMIM 114500.
Oligodontia-cancer predisposition syndrome. Also called: TOOTH AGENESIS-COLORECTAL CANCER SYNDROME. Identifiers: Orphanet 300576, MedGen C1837750, MONDO:0012075, OMIM 608615. Disease mechanism: loss of function.

Allele frequency attached by ClinVar (database versions not stated): TOPMed 0.00001; ESP Exome Variant Server 0.00008.
gnomAD v4.1: 3 of 1,613,690 alleles (0.00019%); highest among the groups gnomAD compares: Non-Finnish European, 0.00025%; no homozygotes.

Submissions (6):

Ambry Genetics
Classification: Uncertain significance for Hereditary cancer-predisposing syndrome. Last evaluated: 2025-11-02. Review status: criteria provided, single submitter. Criteria: Ambry Variant Classification Scheme 2023. Collection method: clinical testing. Allele origin: germline.
Comment: The p.T511A variant (also known as c.1531A>G), located in coding exon 5 of the AXIN2 gene, results from an A to G substitution at nucleotide position 1531. The threonine at codon 511 is replaced by alanine, an amino acid with similar properties. This amino acid position is highly conserved in available vertebrate species. In addition, the in silico prediction for this alteration is inconclusive. Since supporting evidence is limited at this time, the clinical significance of this alteration remains unclear.

Labcorp Genetics (formerly Invitae), Labcorp
Classification: Uncertain significance for Oligodontia-cancer predisposition syndrome. Last evaluated: 2025-06-20. Review status: criteria provided, single submitter. Criteria: Invitae Variant Classification Sherloc (09022015). Collection method: clinical testing. Allele origin: germline.
Comment: This sequence change replaces threonine, which is neutral and polar, with alanine, which is neutral and non-polar, at codon 511 of the AXIN2 protein (p.Thr511Ala). This variant is present in population databases (rs376936740, gnomAD 0.007%). This variant has not been reported in the literature in individuals affected with AXIN2-related conditions. ClinVar contains an entry for this variant (Variation ID: 239990). Invitae Evidence Modeling of protein sequence and biophysical properties (such as structural, functional, and spatial information, amino acid conservation, physicochemical variation, residue mobility, and thermodynamic stability) indicates that this missense variant is not expected to disrupt AXIN2 protein function with a negative predictive value of 80%. In summary, the available evidence is currently insufficient to determine the role of this variant in disease. Therefore, it has been classified as a Variant of Uncertain Significance.

Baylor Genetics
Classification: Uncertain significance for Colorectal cancer. Last evaluated: 2023-12-14. Review status: criteria provided, single submitter. Criteria: ACMG Guidelines, 2015. Collection method: clinical testing. Allele origin: unknown.

GeneDx
Classification: Uncertain significance. Last evaluated: 2023-10-17. Review status: criteria provided, single submitter. Criteria: GeneDx Variant Classification Process June 2021. Collection method: clinical testing. Allele origin: germline. Affected: yes.
Comment: Not observed at significant frequency in large population cohorts (gnomAD); In silico analysis supports that this missense variant does not alter protein structure/function; Has not been previously published as pathogenic or benign to our knowledge

Women's Health and Genetics/Laboratory Corporation of America, LabCorp
Classification: Uncertain significance. Last evaluated: 2021-05-22. Review status: criteria provided, single submitter. Criteria: LabCorp Variant Classification Summary - May 2015. Collection method: clinical testing. Allele origin: germline.
Comment: Variant summary: AXIN2 c.1531A>G (p.Thr511Ala) results in a non-conservative amino acid change in the encoded protein sequence. Three of five in-silico tools predict a damaging effect of the variant on protein function. The variant allele was found at a frequency of 4e-06 in 251254 control chromosomes. The available data on variant occurrences in the general population are insufficient to allow any conclusion about variant significance. To our knowledge, no occurrence of c.1531A>G in individuals affected with Colorectal Cancer and no experimental evidence demonstrating its impact on protein function have been reported. Three clinical diagnostic laboratories have submitted clinical-significance assessments for this variant to ClinVar after 2014 without evidence for independent evaluation. All laboratories classified the variant as uncertain significance. Based on the evidence outlined above, the variant was classified as uncertain significance.

Illumina Laboratory Services, Illumina
Classification: Uncertain significance for Oligodontia-cancer predisposition syndrome. Last evaluated: 2018-01-12. Review status: criteria provided, single submitter. Criteria: ICSL Variant Classification Criteria 13 December 2019. Collection method: clinical testing. Allele origin: germline.